The following is an entry in ClinVar:

ClinVar aggregate classification (germline): Pathogenic (1 of 4 stars; one submission).

Conditions:
Neurodevelopmental-craniofacial syndrome with variable renal and cardiac abnormalities. Identifiers: MedGen C5561984, MONDO:0859190, OMIM 619522.

Submission:

Juno Genomics, Hangzhou Juno Genomics, Inc
Classification: Pathogenic for Neurodevelopmental-craniofacial syndrome with variable renal and cardiac abnormalities. Review status: criteria provided, single submitter. Criteria: ACMG Guidelines, 2015. Collection method: clinical testing. Allele origin: germline. Affected: yes.
Comment: Absent from controls (or at extremely low frequency if recessive) in Genome Aggregation Database, Exome Sequencing Project, 1000 Genomes Project, or Exome Aggregation Consortium.;De novo (both maternity and paternity confirmed) in a patient with the disease and no family history.;Null variant in a gene where loss of function (LOF) is a known mechanism of disease.

NM_197968.4(ZMYM2):c.1368T>G (p.Tyr456Ter)

Gene: ZMYM2 (zinc finger MYM-type containing 2; plus strand). Cytogenetic location: 13q12.11.
Variant type: single nucleotide variant.
Coding change: c.1368T>G on transcript NM_197968.4 (MANE Select); coding-DNA position 1368, T replaced by G.
Protein change: p.Tyr456Ter; replaces tyrosine 456 with a stop codon.
Molecular consequence: nonsense. On other transcripts: non-coding transcript variant (1).
Genome position (GRCh38, 1-based): chr13:20,006,442, T>G. VCF-style: chr13-20006442-T-G. GRCh37 (hg19) VCF-style: chr13-20580582-T-G.
Other names: c.1368T>G, p.Tyr456Ter (NM_001190964.4, NM_001190965.4, NM_001353157.2 and 5 more transcripts); c.1173T>G, p.Tyr391Ter (NM_001353161.3); c.1107T>G, p.Tyr369Ter (NM_001353163.2); short protein forms Y369*, Y391*, Y456*.
Identifiers: ClinVar variation 3382591 (VCV003382591.2).
Genomic context (GRCh38, chr13:20,006,442, plus strand): 5'-TGAAGTCAGCTTTAAAAATATGACTCATAAGCTGTGCAGTGACCACTGCTTTAATAGATA[T>G]AGAATGGCCAATGGTTTAATAATGAATTGCTGTGAACAGTGTGGAGAGTACTTGCCCAGT-3'